The following continues an entry in ClinVar:

NM_000142.5(FGFR3):c.1172C>A (p.Ala391Glu)

Gene: FGFR3. ClinVar aggregate classification (germline): Pathogenic. Pathogenic (16).

Submissions 12 to 20 of 20:

Ambry Genetics
Classification: Pathogenic for Inborn genetic diseases. Last evaluated: 2016-04-18. Review status: criteria provided, single submitter. Criteria: Ambry exome assertion method (8-5-2015). Collection method: clinical testing. Allele origin: germline. Affected: yes. Observed: 1 variant allele.

Genetic Services Laboratory, University of Chicago
Classification: Pathogenic for Craniosynostosis. Last evaluated: 2015-07-27. Review status: criteria provided, single submitter. Criteria: ACMG Guidelines, 2015. Collection method: clinical testing. Allele origin: germline. Affected: yes.

Department of Medical Genetics, Oslo University Hospital
Classification: Pathogenic for Crouzon syndrome-acanthosis nigricans syndrome. Review status: criteria provided, single submitter. Criteria: ACMG Guidelines, 2015. Collection method: clinical testing. Allele origin: germline. Affected: yes. Observed: 3 variant alleles, 3 heterozygotes. Clinical features observed: Craniosynostosis (HP:0001363).

Juno Genomics, Hangzhou Juno Genomics, Inc
Classification: Pathogenic for Crouzon syndrome-acanthosis nigricans syndrome. Review status: criteria provided, single submitter. Criteria: ACMG Guidelines, 2015. Collection method: clinical testing. Allele origin: germline. Affected: yes.
Comment: Absent from controls (or at extremely low frequency if recessive) in Genome Aggregation Database, Exome Sequencing Project, 1000 Genomes Project, or Exome Aggregation Consortium.;The prevalence of the variant in affected individuals is significantly increased compared to the prevalence in controls.;Assumed de novo, but without confirmation of paternity and maternity.;Well-established in vitro or in vivo functional studies supportive of a damaging effect on the gene or gene product.

Seattle Children's Hospital Molecular Genetics Laboratory, Seattle Children's Hospital
Classification: Pathogenic. Review status: criteria provided, single submitter. Criteria: ACMG Guidelines, 2015. Collection method: clinical testing. Allele origin: germline. Affected: yes.
Comment: The c.1172C>A variant, located in exon 9 of FGFR3, results in a substitution of alanine with glutamic acid at position 391 of the protein. This is a recurrent pathogenic variant that has previously been reported in several individuals with Crouzon syndrome with acanthosis nigricans (PMID: 7493034, 8880573, 17935505, 31016899, NBK1455). In these reports, common clinical features include craniosynostosis, ocular proptosis, midface hypoplasia, choanal atresia or stenosis, hydrocephalus, and acanthosis nigricans. Other features such as Chiari malformations, vertebral anomalies, and subtle skeletal findings have also been reported. This variant is absent from large population cohorts (0 of >281,000 alleles; Genome Aggregation Database v2.1). The Ala391Glu change has been experimentally demonstrated to cause an increase in FGFR3 activation by means of FGFR3 dimer stabilization and phosphorylation of critical tyrosines in the FGFR3 activation loop (PMID: 23437153).

Clinical Molecular Genetics Laboratory, Johns Hopkins All Children's Hospital
Classification: Pathogenic for Crouzon syndrome-acanthosis nigricans syndrome. Last evaluated: 2009-12-24. Review status: no assertion criteria provided. Collection method: clinical testing. Allele origin: germline. Affected: yes. Not counted in ClinVar's aggregate classification.

OMIM
Classification: Pathogenic for CROUZON SYNDROME WITH ACANTHOSIS NIGRICANS. Last evaluated: 2007-11-01. Review status: no assertion criteria provided. Collection method: literature only. Allele origin: germline. Not counted in ClinVar's aggregate classification.

Clinical Genetics DNA and cytogenetics Diagnostics Lab, Erasmus MC, Erasmus Medical Center
Classification: Pathogenic. Review status: no assertion criteria provided. Collection method: clinical testing. Allele origin: germline. Affected: yes. Study: VKGL Data-share Consensus. Not counted in ClinVar's aggregate classification.

Genome Diagnostics Laboratory, Amsterdam University Medical Center
Classification: Pathogenic. Review status: no assertion criteria provided. Collection method: clinical testing. Allele origin: germline. Affected: yes. Study: VKGL Data-share Consensus. Not counted in ClinVar's aggregate classification.

Literature cited by the submitters: PubMed 35254402 (cited by Genomenon, Inc); PubMed 21536014 (cited by 3 submitters); PubMed 23437153 (cited by 3 submitters); PubMed 37397405 (cited by Genomenon, Inc); PubMed 31016899 (cited by Genomenon, Inc and Victorian Clinical Genetics Services, Murdoch Childrens Research Institute); PubMed 27181494 (cited by Genomenon, Inc); PubMed 7493034 (cited by 5 submitters); PubMed 10670894 (cited by Genomenon, Inc); PubMed 11426459 (cited by Genomenon, Inc and Labcorp Genetics (formerly Invitae), Labcorp); PubMed 17935505 (cited by Genomenon, Inc and OMIM); PubMed 20199409 (cited by 3 submitters); PubMed 8880573 (cited by Genomenon, Inc and Labcorp Genetics (formerly Invitae), Labcorp); PubMed 36892019 (cited by Genomenon, Inc); PubMed 31508199 (cited by Genomenon, Inc); PubMed 28230213 (cited by Genomenon, Inc); PubMed 12400057 (cited by Genomenon, Inc); PubMed 10053006 (cited by Genomenon, Inc); PubMed 18976668 (cited by Labcorp Genetics (formerly Invitae), Labcorp and Baylor Genetics); PubMed 16501574 (cited by Victorian Clinical Genetics Services, Murdoch Childrens Research Institute); PubMed 25614871 (cited by Victorian Clinical Genetics Services, Murdoch Childrens Research Institute); PubMed 9857065 (cited by Baylor Genetics); PubMed 25326635 (cited by Baylor Genetics).